The following is an entry in ClinVar:

NM_000057.4(BLM):c.2251C>T (p.Leu751Phe)

Gene: BLM (BLM RecQ like helicase; plus strand). Cytogenetic location: 15q26.1.
Variant type: single nucleotide variant.
Coding change: c.2251C>T on transcript NM_000057.4 (MANE Select); coding-DNA position 2251, C replaced by T.
Protein change: p.Leu751Phe; replaces leucine 751 with phenylalanine.
Molecular consequence: missense variant.
Genome position (GRCh38, 1-based): chr15:90,766,967, C>T. VCF-style: chr15-90766967-C-T. GRCh37 (hg19) VCF-style: chr15-91310197-C-T.
Other names: c.2251C>T (NM_000057.2); c.2251C>T, p.Leu751Phe (NM_001287246.2, NM_001287247.2); c.1126C>T, p.Leu376Phe (NM_001287248.2); short protein forms L751F, L376F.
Identifiers: ClinVar variation 664471 (VCV000664471.10), dbSNP rs1292127075, ClinGen allele CA393844886.

ClinVar aggregate classification (germline): Uncertain significance. Review status: criteria provided, multiple submitters, no conflicts (2 of 4 stars). 3 submissions from 3 submitters: Uncertain significance (2). 1 of the submissions does not count toward it. Last evaluated 2024-08-11.

Conditions:
Hereditary cancer-predisposing syndrome. Also called: Tumor predisposition; Hereditary neoplastic syndrome; Neoplastic Syndromes, Hereditary; Hereditary Cancer Syndrome. Identifiers: Orphanet 140162, MedGen C0027672, MeSH D009386, MONDO:0015356.
Bloom syndrome (BLM). Also called: Bloom-Torre-Machacek syndrome. Identifiers: Orphanet 125, MedGen C0005859, MONDO:0008876, OMIM 210900.

Allele frequency attached by ClinVar (database versions not stated): TOPMed below 0.00001.

Submissions (3):

Ambry Genetics
Classification: Uncertain significance for Hereditary cancer-predisposing syndrome. Last evaluated: 2024-08-11. Review status: criteria provided, single submitter. Criteria: Ambry Variant Classification Scheme 2023. Collection method: clinical testing. Allele origin: germline.
Comment: The p.L751F variant (also known as c.2251C>T), located in coding exon 9 of the BLM gene, results from a C to T substitution at nucleotide position 2251. The leucine at codon 751 is replaced by phenylalanine, an amino acid with highly similar properties. This amino acid position is conserved. In addition, this alteration is predicted to be tolerated by in silico analysis. Based on the available evidence, the clinical significance of this variant remains unclear.

Labcorp Genetics (formerly Invitae), Labcorp
Classification: Uncertain significance for Bloom syndrome. Last evaluated: 2022-06-19. Review status: criteria provided, single submitter. Criteria: Invitae Variant Classification Sherloc (09022015). Collection method: clinical testing. Allele origin: germline.
Comment: This sequence change replaces leucine, which is neutral and non-polar, with phenylalanine, which is neutral and non-polar, at codon 751 of the BLM protein (p.Leu751Phe). This variant is not present in population databases (gnomAD no frequency). This variant has not been reported in the literature in individuals affected with BLM-related conditions. ClinVar contains an entry for this variant (Variation ID: 664471). Algorithms developed to predict the effect of missense changes on protein structure and function are either unavailable or do not agree on the potential impact of this missense change (SIFT: "Tolerated"; PolyPhen-2: "Probably Damaging"; Align-GVGD: "Class C0"). In summary, the available evidence is currently insufficient to determine the role of this variant in disease. Therefore, it has been classified as a Variant of Uncertain Significance.

Natera, Inc.
Classification: Uncertain significance for Bloom syndrome. Last evaluated: 2020-08-17. Review status: no assertion criteria provided. Collection method: clinical testing. Allele origin: germline. Not counted in ClinVar's aggregate classification.